The following is an entry in ClinVar:

ClinVar aggregate classification (germline): Benign (0 of 4 stars; one submission).

Conditions:
SETD1B-related disorder. Also called: SETD1B-related condition.

Allele frequency attached by ClinVar (database versions not stated): ExAC 0.00072; ESP Exome Variant Server 0.00175; gnomAD 0.00181; 1000 Genomes Project 30x 0.00187; TOPMed 0.00217; 1000 Genomes Project 0.00260.
gnomAD v4.1: 497 of 1,550,334 alleles (0.032%); highest among the groups gnomAD compares: African/African-American, 0.62%; 2 homozygotes.

Submission:

PreventionGenetics, part of Exact Sciences
Classification: Benign for SETD1B-related condition. Last evaluated: 2019-12-05. Review status: no assertion criteria provided. Collection method: clinical testing. Allele origin: germline.
Comment: This variant is classified as benign based on ACMG/AMP sequence variant interpretation guidelines (Richards et al. 2015 PMID: 25741868, with internal and published modifications).

NM_001353345.2(SETD1B):c.4077C>A (p.His1359Gln)

Gene: SETD1B (SET domain containing 1B, histone lysine methyltransferase; plus strand). Cytogenetic location: 12q24.31.
Variant type: single nucleotide variant.
Coding change: c.4077C>A on transcript NM_001353345.2 (MANE Select); coding-DNA position 4077, C replaced by A.
Protein change: p.His1359Gln; replaces histidine 1359 with glutamine.
Molecular consequence: missense variant.
Genome position (GRCh38, 1-based): chr12:121,822,656, C>A. VCF-style: chr12-121822656-C-A. GRCh37 (hg19) VCF-style: chr12-122260562-C-A.
Other names: NM_015048.1:c.3948C>A; short protein forms H1359Q.
Identifiers: ClinVar variation 3048961 (VCV003048961.2), dbSNP rs374510760, ClinGen allele CA6839149.